The following is an entry in ClinVar:

ClinVar aggregate classification (germline): Uncertain significance (1 of 4 stars; one submission).

Allele frequency attached by ClinVar (database versions not stated): 1000 Genomes Project 0.00040; 1000 Genomes Project 30x 0.00047; gnomAD exomes below 0.00001; gnomAD 0.00001; ExAC 0.00004.
gnomAD v4.1: 5 of 1,603,726 alleles (0.00031%); highest among the groups gnomAD compares: East Asian, 0.011%; no homozygotes.

Submission:

Labcorp Genetics (formerly Invitae), Labcorp
Classification: Uncertain significance. Last evaluated: 2022-11-04. Review status: criteria provided, single submitter. Criteria: Invitae Variant Classification Sherloc (09022015). Collection method: clinical testing. Allele origin: germline.
Comment: This sequence change replaces alanine, which is neutral and non-polar, with serine, which is neutral and polar, at codon 1079 of the ARHGEF10 protein (p.Ala1079Ser). In summary, the available evidence is currently insufficient to determine the role of this variant in disease. Therefore, it has been classified as a Variant of Uncertain Significance. Advanced modeling of protein sequence and biophysical properties (such as structural, functional, and spatial information, amino acid conservation, physicochemical variation, residue mobility, and thermodynamic stability) performed at Invitae indicates that this missense variant is not expected to disrupt ARHGEF10 protein function. This variant has not been reported in the literature in individuals affected with ARHGEF10-related conditions. This variant is present in population databases (rs200108151, gnomAD 0.03%).

NM_014629.4(ARHGEF10):c.3235G>T (p.Ala1079Ser)

Gene: ARHGEF10 (Rho guanine nucleotide exchange factor 10; plus strand). Cytogenetic location: 8p23.3.
Variant type: single nucleotide variant.
Coding change: c.3235G>T on transcript NM_014629.4 (MANE Select); coding-DNA position 3235, G replaced by T.
Protein change: p.Ala1079Ser; replaces alanine 1079 with serine.
Molecular consequence: missense variant.
Genome position (GRCh38, 1-based): chr8:1,945,493, G>T. VCF-style: chr8-1945493-G-T. GRCh37 (hg19) VCF-style: chr8-1893659-G-T.
Other names: c.3121G>T, p.Ala1041Ser (NM_001308152.2); c.3235G>T, p.Ala1079Ser (NM_001308153.3); short protein forms A1041S, A1079S, A1103S.
Identifiers: ClinVar variation 2060384 (VCV002060384.4), dbSNP rs200108151, ClinGen allele CA4601277.